The following is an entry in ClinVar:

ClinVar aggregate classification (germline): Uncertain significance (1 of 4 stars; one submission).

Conditions:
Hereditary sensory and autonomic neuropathy type 6. Also called: Neuropathy, hereditary sensory and autonomic, type VI; HSAN VI. Identifiers: Orphanet 314381, MedGen C3539003, MONDO:0013839, OMIM 614653.
Epidermolysis bullosa simplex 3, localized or generalized intermediate, with BP230 deficiency (EBS3). Also called: Epidermolysis bullosa simplex, autosomal recessive 2; Epidermolysis bullosa simplex due to BP230 deficiency. Identifiers: Orphanet 412181, MedGen C3809470, MONDO:0014180, OMIM 615425.

Allele frequency attached by ClinVar (database versions not stated): gnomAD exomes below 0.00001; gnomAD 0.00001.
gnomAD v4.1: 5 of 1,606,522 alleles (0.00031%); highest among the groups gnomAD compares: East Asian, 0.0022%; no homozygotes.

Submission:

Labcorp Genetics (formerly Invitae), Labcorp
Classification: Uncertain significance for Epidermolysis bullosa simplex 3, localized or generalized intermediate, with BP230 deficiency; Hereditary sensory and autonomic neuropathy type 6. Last evaluated: 2022-08-21. Review status: criteria provided, single submitter. Criteria: Invitae Variant Classification Sherloc (09022015). Collection method: clinical testing. Allele origin: germline.
Comment: The DST gene has multiple clinically relevant transcripts. This variant occurs in alternate transcript NM_015548.4, and corresponds to NM_001723.5:c.*104143C>T in the primary transcript. This sequence change affects codon 3578 of the DST mRNA. It is a 'silent' change, meaning that it does not change the encoded amino acid sequence of the DST protein. This variant is not present in population databases (gnomAD no frequency). This variant has not been reported in the literature in individuals affected with DST-related conditions. Experimental studies and prediction algorithms are not available or were not evaluated, and the effect of this variant on mRNA splicing is currently unknown. In summary, the available evidence is currently insufficient to determine the role of this variant in disease. Therefore, it has been classified as a Variant of Uncertain Significance.

NM_001374736.1(DST):c.18603C>T (p.His6201=)

Gene: DST (dystonin; minus strand). Cytogenetic location: 6p12.1.
Variant type: single nucleotide variant.
Coding change: c.18603C>T on transcript NM_001374736.1 (MANE Select); coding-DNA position 18603, C replaced by T.
Protein change: p.His6201=; no amino-acid change (histidine 6201 retained).
Molecular consequence: synonymous variant.
Genome position (GRCh38, 1-based): chr6:56,511,374, G>A on the plus strand (C>T on the coding strand, the complement: DST is on the minus strand). VCF-style: chr6-56511374-G-A. GRCh37 (hg19) VCF-style: chr6-56376172-G-A.
Other names: c.12246C>T, p.His4082= (NM_001144769.5); c.11832C>T, p.His3944= (NM_001144770.2); c.18603C>T, p.His6201= (NM_001374722.1); c.17643C>T, p.His5881= (NM_001374729.1); c.11385C>T, p.His3795= (NM_001374730.1); c.18630C>T, p.His6210= (NM_001374734.1); c.11712C>T, p.His3904= (NM_001386100.1, NM_183380.4); c.10734C>T, p.His3578= (NM_015548.5).
Identifiers: ClinVar variation 2421176 (VCV002421176.6), dbSNP rs989035085, ClinGen allele CA139176765.